The following is an entry in ClinVar:

NM_000371.4(TTR):c.11_13dup (p.His4dup)

Gene: TTR (transthyretin; plus strand). Cytogenetic location: 18q12.1.
Variant type: Duplication.
Coding change: c.11_13dup on transcript NM_000371.4 (MANE Select); coding-DNA positions 11 to 13, 3 bases duplicated (ATC; older notation c.11_13dupATC).
Protein change: p.His4dup; duplicates histidine 4.
Molecular consequence: inframe insertion.
Genome position (GRCh38, 1-based): chr18:31,591,913-31,591,915, ATC duplicated; duplicating any 3 consecutive bases within chr18:31,591,911-31,591,915 gives the same sequence; the c. name uses the placement nearest the transcript's 3' end. VCF-style (leftmost placement, unchanged base first): chr18-31591910-C-CTCA. GRCh37 (hg19) VCF-style: chr18-29171873-C-CTCA.
Other names: p.His4dup; c.11_13dupATC (NM_000371.3); c.11_13dup (NM_000371.3).
Identifiers: ClinVar variation 326545 (VCV000326545.17), dbSNP rs747545126, ClinGen allele CA8928374.

ClinVar aggregate classification (germline): Uncertain significance. Review status: criteria provided, multiple submitters, no conflicts (2 of 4 stars). 5 submissions from 5 submitters: Uncertain significance (5). Last evaluated 2025-08-11.

Conditions:
Amyloidosis, hereditary systemic 1 (AMYLD1). Also called: Hereditary Transthyretin Amyloidosis; AMYLOID CARDIOMYOPATHY; Isolated Cardiac Amyloidosis; Amyloid Cardiomyopathy, Transthyretin-related; Familial amyloid polyneuropathy; Transthyretin Amyloidosis. Identifiers: Orphanet 85447, Orphanet 85451, MedGen C2751492, MONDO:0971004, OMIM 105210.
Carpal tunnel syndrome 1 (CTS1). Also called: Carpal tunnel syndrome, familial. Identifiers: MedGen C5779776, MONDO:0020730, OMIM 115430.
Hyperthyroxinemia, dystransthyretinemic. Also called: HYPERTHYROXINEMIA, DYSPREALBUMINEMIC; EUTHRYROIDAL HYPERTHYROXINEMIA 2. Identifiers: MedGen C2750824, MONDO:0007785, OMIM 145680.
Cardiovascular phenotype. Identifiers: MedGen CN230736.

Submissions (5):

Mayo Clinic Laboratories, Mayo Clinic
Classification: Uncertain significance. Last evaluated: 2025-08-11. Review status: criteria provided, single submitter. Criteria: ACMG Guidelines, 2015. Collection method: clinical testing. Allele origin: germline. Observed: 2 variant alleles.
Comment: BS2

Labcorp Genetics (formerly Invitae), Labcorp
Classification: Uncertain significance for Amyloidosis, hereditary systemic 1. Last evaluated: 2024-11-23. Review status: criteria provided, single submitter. Criteria: Invitae Variant Classification Sherloc (09022015). Collection method: clinical testing. Allele origin: germline.
Comment: This variant, c.11_13dup, results in the insertion of 1 amino acid(s) of the TTR protein (p.His4dup), but otherwise preserves the integrity of the reading frame. This variant is present in population databases (rs747545126, gnomAD 0.0009%). This variant has not been reported in the literature in individuals affected with TTR-related conditions. ClinVar contains an entry for this variant (Variation ID: 326545). Experimental studies and prediction algorithms are not available or were not evaluated, and the functional significance of this variant is currently unknown. In summary, the available evidence is currently insufficient to determine the role of this variant in disease. Therefore, it has been classified as a Variant of Uncertain Significance.

Fulgent Genetics
Classification: Uncertain significance for Amyloidosis, hereditary systemic 1; Carpal tunnel syndrome 1; Hyperthyroxinemia, dystransthyretinemic. Last evaluated: 2024-03-05. Review status: criteria provided, single submitter. Criteria: ACMG Guidelines, 2015. Collection method: clinical testing. Allele origin: germline.

Ambry Genetics
Classification: Uncertain significance for Cardiovascular phenotype. Last evaluated: 2018-12-28. Review status: criteria provided, single submitter. Criteria: Ambry Variant Classification Scheme 2023. Collection method: clinical testing. Allele origin: germline.
Comment: The c.11_13dupATC variant (also known as p.H4dup), located in coding exon 1 of the TTR gene. This variant results from an in-frame duplication of 3 nucleotides at positions 11 to 13. This results in the duplication of a histidine residue at codon 4. This amino acid position is not well conserved in available vertebrate species. Since supporting evidence is limited at this time, the clinical significance of this alteration remains unclear.

GeneDx
Classification: Uncertain significance. Last evaluated: 2017-12-15. Review status: criteria provided, single submitter. Criteria: GeneDx Variant Classification (06012015). Collection method: clinical testing. Allele origin: germline. Affected: yes.
Comment: A variant of uncertain significance has been identified in the TTR gene. The c.11_13dupATC variant has not been published as pathogenic or been reported as benign to our knowledge. This variant is not observed at a significant frequency in large population cohorts (Lek et al., 2016). The c.11_13dupATC variant results in the in-frame duplication of a histidine (H) residue in the signal peptide region of the TTR protein, denoted p.H4dup. Other in-frame deletions and duplications have been reported in the TTR gene, however, none have been reported in this region (Stenson et al., 2014). Furthermore, the residues adjacent to this duplicated residue are not conserved across species.